The following is an entry in ClinVar:

ClinVar aggregate classification (germline): Uncertain significance. Review status: criteria provided, multiple submitters, no conflicts (2 of 4 stars). 3 submissions from 3 submitters: Uncertain significance (3). Last evaluated 2023-04-11.

Conditions:
Glycogen storage disease type III (GSD3). Also called: Cori disease; FORBES DISEASE. Identifiers: Orphanet 366, MedGen C0017922, MONDO:0009291, OMIM 232400.

Allele frequency attached by ClinVar (database versions not stated): gnomAD exomes below 0.00001; TOPMed below 0.00001; gnomAD 0.00001.
gnomAD v4.1: 1 of 1,613,484 alleles (0.000062%); highest among the groups gnomAD compares: African/African-American, 0.0013%; no homozygotes.

Submissions (3):

Genome-Nilou Lab
Classification: Uncertain significance for Glycogen storage disease type III. Last evaluated: 2023-04-11. Review status: criteria provided, single submitter. Criteria: ACMG Guidelines, 2015. Collection method: clinical testing. Allele origin: germline. Affected: no.

Labcorp Genetics (formerly Invitae), Labcorp
Classification: Uncertain significance for Glycogen storage disease type III. Last evaluated: 2021-07-17. Review status: criteria provided, single submitter. Criteria: Invitae Variant Classification Sherloc (09022015). Collection method: clinical testing. Allele origin: germline.
Comment: This sequence change falls in intron 15 of the AGL gene. It does not directly change the encoded amino acid sequence of the AGL protein. It affects a nucleotide within the consensus splice site of the intron. This variant is not present in population databases (ExAC no frequency). This variant has not been reported in the literature in individuals with AGL-related conditions. Nucleotide substitutions within the consensus splice site are a relatively common cause of aberrant splicing (PMID: 17576681, 9536098). Algorithms developed to predict the effect of sequence changes on RNA splicing suggest that this variant is not likely to affect RNA splicing, but this prediction has not been confirmed by published transcriptional studies. In summary, the available evidence is currently insufficient to determine the role of this variant in disease. Therefore, it has been classified as a Variant of Uncertain Significance.

Mayo Clinic Laboratories, Mayo Clinic
Classification: Uncertain significance. Last evaluated: 2020-02-28. Review status: criteria provided, single submitter. Criteria: ACMG Guidelines, 2015. Collection method: clinical testing. Allele origin: germline. Observed: 1 variant allele.

Literature cited by the submitters: PubMed 17576681 (cited by Labcorp Genetics (formerly Invitae), Labcorp); PubMed 9536098 (cited by Labcorp Genetics (formerly Invitae), Labcorp).

NM_000642.3(AGL):c.2001+3T>G

Gene: AGL (amylo-alpha-1,6-glucosidase and 4-alpha-glucanotransferase; plus strand). Cytogenetic location: 1p21.2.
Variant type: single nucleotide variant.
Coding change: c.2001+3T>G on transcript NM_000642.3 (MANE Select); 3 bases into the intron after coding-DNA position 2001, T replaced by G.
Molecular consequence: intron variant.
Genome position (GRCh38, 1-based): chr1:99,881,180, T>G. VCF-style: chr1-99881180-T-G. GRCh37 (hg19) VCF-style: chr1-100346736-T-G.
Other names: c.2001+3T>G (NM_000643.3, NM_000644.3, NM_001425326.1 and 2 more transcripts); c.1953+3T>G (NM_000646.3); c.1800+3T>G (NM_001425327.1); c.1797+3T>G (NM_001425328.1, NM_001425329.1); c.1623+3T>G (NM_001425332.1).
Identifiers: ClinVar variation 1163149 (VCV001163149.7), dbSNP rs1392738838, ClinGen allele CA524878234.